The following is an entry in ClinVar:

ClinVar aggregate classification (germline): Uncertain significance. Review status: criteria provided, single submitter (1 of 4 stars). 2 submissions from 2 submitters: Uncertain significance (1). 1 of the submissions does not count toward it. Last evaluated 2025-09-03.

Conditions:
Ataxia-telangiectasia syndrome (AT). Also called: LOUIS-BAR SYNDROME; Cerebello-oculocutaneous telangiectasia; Immunodeficiency with ataxia telangiectasia; Ataxia-telangiectasia, complementation group D; AT, COMPLEMENTATION GROUP C; ATAXIA-TELANGIECTASIA, COMPLEMENTATION GROUP A. Identifiers: Orphanet 100, MedGen C0004135, MONDO:0008840, OMIM 208900.

gnomAD v4.1: 2 of 1,609,870 alleles (0.00012%); highest among the groups gnomAD compares: Non-Finnish European, 0.00017%; no homozygotes.

Submissions (2):

Labcorp Genetics (formerly Invitae), Labcorp
Classification: Uncertain significance for Ataxia-telangiectasia syndrome. Last evaluated: 2025-09-03. Review status: criteria provided, single submitter. Criteria: Invitae Variant Classification Sherloc (09022015). Collection method: clinical testing. Allele origin: germline.
Comment: This sequence change replaces aspartic acid, which is acidic and polar, with glycine, which is neutral and non-polar, at codon 2110 of the ATM protein (p.Asp2110Gly). This variant is present in population databases (no rsID available, gnomAD 0.002%). This variant has not been reported in the literature in individuals affected with ATM-related conditions. Invitae Evidence Modeling of protein sequence and biophysical properties (such as structural, functional, and spatial information, amino acid conservation, physicochemical variation, residue mobility, and thermodynamic stability) indicates that this missense variant is not expected to disrupt ATM protein function with a negative predictive value of 95%. In summary, the available evidence is currently insufficient to determine the role of this variant in disease. Therefore, it has been classified as a Variant of Uncertain Significance.

Natera, Inc.
Classification: Uncertain significance for Ataxia-telangiectasia. Last evaluated: 2025-04-13. Review status: no assertion criteria provided. Collection method: clinical testing. Allele origin: germline. Not counted in ClinVar's aggregate classification.

NM_000051.4(ATM):c.6329A>G (p.Asp2110Gly)

Genes: ATM (ATM serine/threonine kinase; plus strand), C11orf65 (chromosome 11 open reading frame 65; minus strand). Cytogenetic location: 11q22.3.
Variant type: single nucleotide variant.
Coding change: c.6329A>G on transcript NM_000051.4 (MANE Select); coding-DNA position 6329, A replaced by G.
Protein change: p.Asp2110Gly; replaces aspartic acid 2110 with glycine.
Molecular consequence: missense variant. On other transcripts: intron variant (2).
Genome position (GRCh38, 1-based): chr11:108,317,503, A>G. VCF-style: chr11-108317503-A-G. GRCh37 (hg19) VCF-style: chr11-108188230-A-G.
Other names: c.6329A>G, p.Asp2110Gly (NM_001351834.2); c.641-8432T>C (NM_001330368.2); c.*39-8432T>C (NM_001351110.2); short protein forms D2110G.
Identifiers: ClinVar variation 4063283 (VCV004063283.1).